The following is an entry in ClinVar:

NM_021975.4(RELA):c.29C>T (p.Pro10Leu)

Gene: RELA (RELA proto-oncogene, NF-kB subunit; minus strand). Cytogenetic location: 11q13.1.
Variant type: single nucleotide variant.
Coding change: c.29C>T on transcript NM_021975.4 (MANE Select); coding-DNA position 29, C replaced by T.
Protein change: p.Pro10Leu; replaces proline 10 with leucine.
Molecular consequence: missense variant.
Genome position (GRCh38, 1-based): chr11:65,662,184, G>A on the plus strand (C>T on the coding strand, the complement: RELA is on the minus strand). VCF-style: chr11-65662184-G-A. GRCh37 (hg19) VCF-style: chr11-65429655-G-A.
Other names: c.29C>T, p.Pro10Leu (NM_001145138.2, NM_001243984.2, NM_001243985.2 and 3 more transcripts); c.-261C>T (NM_001404661.1); c.-65C>T (NM_001404662.1, NM_001404663.1); short protein forms P10L.
Identifiers: ClinVar variation 1905556 (VCV001905556.29), dbSNP rs368784411, ClinGen allele CA224011379.
Genomic context (GRCh38, chr11:65,662,184, plus strand): 5'-CCCCCACTGCCCTACCCCAGGGAGCACCTCCCCGACCGCCGCGGGGGCCACTTACCTGCC[G>A]GGAAGATGAGGGGGAACAGTTCTGAAAGGGGAGGGAGATCAGGGTCAGCACACACCCAAT-3'
Protein context (NP_068810.3, residues 1-20): MDELFPLIF[Pro10Leu]AEPAQASGPY

ClinVar aggregate classification (germline): Uncertain significance. Review status: criteria provided, multiple submitters, no conflicts (2 of 4 stars). 2 submissions from 2 submitters: Uncertain significance (2). Last evaluated 2025-04-08.

Allele frequency attached by ClinVar (database versions not stated): gnomAD 0.00001; TOPMed 0.00001; ESP Exome Variant Server 0.00008.
gnomAD v4.1: 9 of 1,588,018 alleles (0.00057%); highest among the groups gnomAD compares: African/African-American, 0.0014%; no homozygotes.

Submissions (2):

Labcorp Genetics (formerly Invitae), Labcorp
Classification: Uncertain significance. Last evaluated: 2025-04-08. Review status: criteria provided, single submitter. Criteria: Invitae Variant Classification Sherloc (09022015). Collection method: clinical testing. Allele origin: germline.
Comment: This sequence change replaces proline, which is neutral and non-polar, with leucine, which is neutral and non-polar, at codon 10 of the RELA protein (p.Pro10Leu). This variant is not present in population databases (gnomAD no frequency). This variant has not been reported in the literature in individuals affected with RELA-related conditions. ClinVar contains an entry for this variant (Variation ID: 1905556). An algorithm developed to predict the effect of missense changes on protein structure and function (PolyPhen-2) suggests that this variant is likely to be tolerated. In summary, the available evidence is currently insufficient to determine the role of this variant in disease. Therefore, it has been classified as a Variant of Uncertain Significance.

CeGaT Center for Human Genetics Tuebingen
Classification: Uncertain significance. Last evaluated: 2023-11-01. Review status: criteria provided, single submitter. Criteria: CeGaT Center For Human Genetics Tuebingen Variant Classification Criteria Version 2. Collection method: clinical testing. Allele origin: germline. Affected: yes. Observed: 1 variant allele.
Comment: RELA: PM2, PP2